The following is an entry in ClinVar:

ClinVar aggregate classification (germline): Pathogenic/Likely pathogenic. Review status: criteria provided, multiple submitters, no conflicts (2 of 4 stars). 7 submissions from 7 submitters: Pathogenic (2); Likely pathogenic (5). Last evaluated 2025-12-01.

Conditions:
Mitochondrial trifunctional protein deficiency. Identifiers: Orphanet 746, MedGen C1969443, MONDO:0012172.
Long chain 3-hydroxyacyl-CoA dehydrogenase deficiency. Also called: LCHAD Deficiency; Deficiency of long-chain 3-hydroxyacyl-coenzyme A dehydrogenase. Identifiers: Orphanet 5, MedGen C3711645, MONDO:0012173, OMIM 609016.
Mitochondrial trifunctional protein deficiency 1 (MTPD1). Identifiers: MedGen CN376812, MONDO:0958181, OMIM 609015.
HADHA-related disorder. Also called: HADHA-related disorders; HADHA-related condition.

gnomAD v4.1: 21 of 1,613,914 alleles (0.0013%); highest among the groups gnomAD compares: African/African-American, 0.004%; no homozygotes.

Submissions (7):

Natera, Inc.
Classification: Likely pathogenic for Deficiency of long-chain 3-hydroxyacyl-coenzyme A dehydrogenase. Last evaluated: 2025-12-01. Review status: criteria provided, single submitter. Criteria: Natera Variant Classification Schema (03/2026). Collection method: clinical testing. Allele origin: germline.
Comment: The c.2027G>A variant in HADHA is a missense variant predicted to cause substitution of arginine to histidine at amino acid 676. This variant is rare in the general population with a frequency below the threshold expected for the associated phenotype(s). This variant has been observed in one or more individuals affected with the associated recessive disease, as either homozygous or compound heterozygous with a second variant (PMID: 21549624, 15902556, 11427448, 10352164). A different variant at the same position has been determined to be Pathogenic or Likely Pathogenic. Computational prediction algorithms indicate this variant is likely to affect gene or protein function. Given the available evidence, this variant is classified as Likely Pathogenic.

PreventionGenetics, part of Exact Sciences
Classification: Likely pathogenic for HADHA-related condition. Last evaluated: 2025-11-25. Review status: criteria provided, single submitter. Criteria: ACMG Guidelines, 2015. Collection method: clinical testing. Allele origin: germline.
Comment: The HADHA c.2027G>A variant is predicted to result in the amino acid substitution p.Arg676His. This variant, referred to as p.Arg640His in the literature, has been reported in combination with other HADHA variants in individuals with complete mitochondrial trifunctional protein deficiency (TFP, Ibdah et al. 1999. PubMed ID: 10352164; Olpin et al. 2004. PubMed ID: 15902556; Boutron et al. 2011. PubMed ID: 21549624). A different variant leading to the same amino acid change has been associated with marked fatty acid oxidation deficiency in human skin cell fibroblasts derived from an individual with TFP deficiency (Patient 14 in Djouadi et al. 2015. PubMed ID: 26109258). Alternate variants at the same amino acid position (p.Arg676Cys, p.Arg676Leu) have been reported in individuals affected with TFP (Ibdah et al. 1999. PubMed ID: 10352164; Spiekerkoetter et al. 2004. PubMed ID: 14630990; Diekman et al. 2014. PubMed ID: 24305961). The c.2027G>T variant is reported in 0.0062% of alleles in individuals of African descent in gnomAD and is consistently classified as likely pathogenic or pathogenic in ClinVar (Variation ID: 948895). This variant is interpreted as likely pathogenic.

3billion
Classification: Pathogenic for Long chain 3-hydroxyacyl-CoA dehydrogenase deficiency. Last evaluated: 2025-03-07. Review status: criteria provided, single submitter. Criteria: ACMG Guidelines, 2015. Collection method: clinical testing. Allele origin: germline. Affected: yes.
Comment: The variant is observed at an extremely low frequency in the gnomAD v4.1.0 dataset (total allele frequency: 0.001%). Predicted Consequence/Location: Missense variant. The majority of the known disease-causing variants of this gene are variants expected to result in premature termination of the protein. In silico tool predictions suggest damaging effect of the variant on gene or gene product [REVEL: 0.98 (>=0.6, sensitivity 0.68 and specificity 0.92); 3Cnet: 0.98 (> 0.75, sensitivity 0.96 and precision 0.92)]. The same nucleotide change resulting in the same amino acid change has been previously reported as pathogenic/likely pathogenic with strong evidence (ClinVar ID: VCV000948895 /PMID: 10352164). Different missense changes at the same codon (p.Arg676Cys, p.Arg676Leu) have been reported as pathogenic/likely pathogenic with strong evidence (ClinVar ID: VCV001065948 /PMID: 10352164, 24305961 /3billion dataset). Therefore, this variant is classified as Pathogenic according to the recommendation of ACMG/AMP guideline.

Labcorp Genetics (formerly Invitae), Labcorp
Classification: Pathogenic for Mitochondrial trifunctional protein deficiency; Long chain 3-hydroxyacyl-CoA dehydrogenase deficiency. Last evaluated: 2024-04-15. Review status: criteria provided, single submitter. Criteria: Invitae Variant Classification Sherloc (09022015). Collection method: clinical testing. Allele origin: germline.
Comment: This sequence change replaces arginine, which is basic and polar, with histidine, which is basic and polar, at codon 676 of the HADHA protein (p.Arg676His). This variant is present in population databases (no rsID available, gnomAD 0.007%). This missense change has been observed in individual(s) with HADHA-related conditions (PMID: 10352164, 21549624, 26109258; Invitae). This variant is also known as Arg640His. ClinVar contains an entry for this variant (Variation ID: 948895). Advanced modeling of protein sequence and biophysical properties (such as structural, functional, and spatial information, amino acid conservation, physicochemical variation, residue mobility, and thermodynamic stability) performed at Invitae indicates that this missense variant is expected to disrupt HADHA protein function with a positive predictive value of 80%. This variant disrupts the p.Arg676 amino acid residue in HADHA. Other variant(s) that disrupt this residue have been observed in individuals with HADHA-related conditions (PMID: 24305961), which suggests that this may be a clinically significant amino acid residue. For these reasons, this variant has been classified as Pathogenic.

Fulgent Genetics
Classification: Likely pathogenic for Mitochondrial trifunctional protein deficiency 1; Long chain 3-hydroxyacyl-CoA dehydrogenase deficiency. Last evaluated: 2024-04-03. Review status: criteria provided, single submitter. Criteria: ACMG Guidelines, 2015. Collection method: clinical testing. Allele origin: germline.

Baylor Genetics
Classification: Likely pathogenic for Long chain 3-hydroxyacyl-CoA dehydrogenase deficiency. Last evaluated: 2024-03-02. Review status: criteria provided, single submitter. Criteria: ACMG Guidelines, 2015. Collection method: clinical testing. Allele origin: unknown.

GeneDx
Classification: Likely pathogenic. Last evaluated: 2019-10-14. Review status: criteria provided, single submitter. Criteria: GeneDx Variant Classification Process June 2021. Collection method: clinical testing. Allele origin: germline. Affected: yes.
Comment: In silico analysis, which includes protein predictors and evolutionary conservation, supports a deleterious effect; This variant is associated with the following publications: (PMID: 29915090, 15902556, 21549624, 10352164)

Literature cited by the submitters: PubMed 21549624 (cited by Natera, Inc. and Labcorp Genetics (formerly Invitae), Labcorp); PubMed 15902556 (cited by Natera, Inc.); PubMed 11427448 (cited by Natera, Inc.); PubMed 10352164 (cited by 3 submitters); PubMed 26109258 (cited by Labcorp Genetics (formerly Invitae), Labcorp); PubMed 24305961 (cited by Labcorp Genetics (formerly Invitae), Labcorp).

NM_000182.5(HADHA):c.2027G>A (p.Arg676His)

Genes: GAREM2 (GRB2 associated regulator of MAPK1 subtype 2; plus strand), HADHA (hydroxyacyl-CoA dehydrogenase trifunctional multienzyme complex subunit alpha; minus strand). Cytogenetic location: 2p23.3.
Variant type: single nucleotide variant.
Coding change: c.2027G>A on transcript NM_000182.5 (MANE Select); coding-DNA position 2027, G replaced by A.
Protein change: p.Arg676His; replaces arginine 676 with histidine.
Molecular consequence: missense variant.
Genome position (GRCh38, 1-based): chr2:26,191,602, C>T on the plus strand (G>A on the coding strand, the complement: HADHA is on the minus strand). VCF-style: chr2-26191602-C-T. GRCh37 (hg19) VCF-style: chr2-26414471-C-T.
Other names: short protein forms R676H.
Identifiers: ClinVar variation 948895 (VCV000948895.18), dbSNP rs1204190984, ClinGen allele CA346113513.